The following is an entry in ClinVar:

ClinVar aggregate classification (germline): Likely benign (1 of 4 stars; one submission).

Submission:

CeGaT Center for Human Genetics Tuebingen
Classification: Likely benign. Last evaluated: 2026-07-01. Review status: criteria provided, single submitter. Criteria: CeGaT Center For Human Genetics Tuebingen Variant Classification Criteria Version 2. Collection method: clinical testing. Allele origin: germline. Affected: yes. Observed: 1 variant allele.
Comment: TNXB: BP4, BP7

NM_001365276.2(TNXB):c.12672G>A (p.Ser4224=)

Genes: CYP21A2 (cytochrome P450 family 21 subfamily A member 2; plus strand), TNXB (tenascin XB; minus strand). Cytogenetic location: 6p21.33.
Variant type: single nucleotide variant.
Coding change: c.12672G>A on transcript NM_001365276.2 (MANE Select); coding-DNA position 12672, G replaced by A.
Protein change: p.Ser4224=; no amino-acid change (serine 4224 retained).
Molecular consequence: synonymous variant. On other transcripts: 3 prime UTR variant (4).
Genome position (GRCh38, 1-based): chr6:32,041,412, C>T on the plus strand (G>A on the coding strand, the complement: TNXB is on the minus strand). VCF-style: chr6-32041412-C-T. GRCh37 (hg19) VCF-style: chr6-32009189-C-T.
Other names: c.*278C>T (NM_000500.9, NM_001128590.4, NM_001368143.2 and 1 more transcripts); c.13413G>A, p.Ser4471= (NM_001428335.1); c.12666G>A, p.Ser4222= (NM_019105.8); c.1959G>A, p.Ser653= (NM_032470.4).
Identifiers: ClinVar variation 5039135 (VCV005039135.1).